The following is an entry in ClinVar:

NM_005883.3(APC2):c.3225G>A (p.Ser1075=)

Gene: APC2 (APC regulator of Wnt signaling pathway 2; plus strand). Cytogenetic location: 19p13.3.
Variant type: single nucleotide variant.
Coding change: c.3225G>A on transcript NM_005883.3 (MANE Select); coding-DNA position 3225, G replaced by A.
Protein change: p.Ser1075=; no amino-acid change (serine 1075 retained).
Molecular consequence: synonymous variant.
Genome position (GRCh38, 1-based): chr19:1,466,526, G>A. VCF-style: chr19-1466526-G-A. GRCh37 (hg19) VCF-style: chr19-1466525-G-A.
Other names: c.3222G>A, p.Ser1074= (NM_001351273.1); c.3225G>A (NM_005883.2).
Identifiers: ClinVar variation 2059975 (VCV002059975.7), dbSNP rs757504048, ClinGen allele CA9045651.

ClinVar aggregate classification (germline): Likely benign. Review status: criteria provided, multiple submitters, no conflicts (2 of 4 stars). 3 submissions from 3 submitters: Likely benign (2). 1 of the submissions does not count toward it. Last evaluated 2025-02-15.

Conditions:
APC2-related disorder. Also called: APC2-Related Disorders; APC2-related condition.

Allele frequency attached by ClinVar (database versions not stated): TOPMed 0.00001; ExAC 0.00002.
gnomAD v4.1: 10 of 1,590,880 alleles (0.00063%); highest among the groups gnomAD compares: Non-Finnish European, 0.0006%; no homozygotes.

Submissions (3):

Labcorp Genetics (formerly Invitae), Labcorp
Classification: Likely benign. Last evaluated: 2025-02-15. Review status: criteria provided, single submitter. Criteria: Invitae Variant Classification Sherloc (09022015). Collection method: clinical testing. Allele origin: germline.

Blueprint Genetics
Classification: Likely benign. Last evaluated: 2024-03-19. Review status: criteria provided, single submitter. Criteria: ACMG Guidelines, 2015. Collection method: clinical testing. Allele origin: germline.

PreventionGenetics, part of Exact Sciences
Classification: Likely benign for APC2-related condition. Last evaluated: 2019-02-28. Review status: no assertion criteria provided. Collection method: clinical testing. Allele origin: germline. Not counted in ClinVar's aggregate classification.
Comment: This variant is classified as likely benign based on ACMG/AMP sequence variant interpretation guidelines (Richards et al. 2015 PMID: 25741868, with internal and published modifications).